The following is an entry in ClinVar:

ClinVar aggregate classification (germline): Uncertain significance. Review status: criteria provided, multiple submitters, no conflicts (2 of 4 stars). 2 submissions from 2 submitters: Uncertain significance (2). Last evaluated 2025-01-27.

Submissions (2):

Labcorp Genetics (formerly Invitae), Labcorp
Classification: Uncertain significance. Last evaluated: 2025-01-27. Review status: criteria provided, single submitter. Criteria: Invitae Variant Classification Sherloc (09022015). Collection method: clinical testing. Allele origin: germline.
Comment: This sequence change replaces alanine, which is neutral and non-polar, with valine, which is neutral and non-polar, at codon 35 of the HMX1 protein (p.Ala35Val). This variant is not present in population databases (gnomAD no frequency). This variant has not been reported in the literature in individuals affected with HMX1-related conditions. ClinVar contains an entry for this variant (Variation ID: 1406670). Invitae Evidence Modeling of protein sequence and biophysical properties (such as structural, functional, and spatial information, amino acid conservation, physicochemical variation, residue mobility, and thermodynamic stability) indicates that this missense variant is not expected to disrupt HMX1 protein function with a negative predictive value of 80%. In summary, the available evidence is currently insufficient to determine the role of this variant in disease. Therefore, it has been classified as a Variant of Uncertain Significance.

Blueprint Genetics
Classification: Uncertain significance. Last evaluated: 2024-01-11. Review status: criteria provided, single submitter. Criteria: ACMG Guidelines, 2015. Collection method: clinical testing. Allele origin: germline.

NM_018942.3(HMX1):c.104C>T (p.Ala35Val)

Gene: HMX1 (H6 family homeobox 1; minus strand). Cytogenetic location: 4p16.1.
Variant type: single nucleotide variant.
Coding change: c.104C>T on transcript NM_018942.3 (MANE Select); coding-DNA position 104, C replaced by T.
Protein change: p.Ala35Val; replaces alanine 35 with valine.
Molecular consequence: missense variant.
Genome position (GRCh38, 1-based): chr4:8,871,511, G>A on the plus strand (C>T on the coding strand, the complement: HMX1 is on the minus strand). VCF-style: chr4-8871511-G-A. GRCh37 (hg19) VCF-style: chr4-8873237-G-A.
Other names: c.104C>T, p.Ala35Val (NM_001306142.2); short protein forms A35V.
Identifiers: ClinVar variation 1406670 (VCV001406670.8), dbSNP rs2109477938, ClinGen allele CA356279380.